The following is an entry in ClinVar:

ClinVar aggregate classification (germline): Pathogenic (1 of 4 stars; one submission).

Submission:

GeneDx
Classification: Pathogenic. Last evaluated: 2026-04-08. Review status: criteria provided, single submitter. Criteria: GeneDx Variant Classification Process June 2021. Collection method: clinical testing. Allele origin: germline.
Comment: Nonsense variant predicted to result in protein truncation or nonsense mediated decay in a gene for which loss of function is a known mechanism of disease; Not observed at significant frequency in large population cohorts (gnomAD); Has not been previously published as pathogenic or benign to our knowledge

NM_021224.6(ZNF462):c.5059C>T (p.Arg1687Ter)

Gene: ZNF462 (zinc finger protein 462; plus strand). Cytogenetic location: 9q31.2.
Variant type: single nucleotide variant.
Coding change: c.5059C>T on transcript NM_021224.6 (MANE Select); coding-DNA position 5059, C replaced by T.
Protein change: p.Arg1687Ter; replaces arginine 1687 with a stop codon.
Molecular consequence: nonsense. On other transcripts: intron variant (1).
Genome position (GRCh38, 1-based): chr9:106,928,971, C>T. VCF-style: chr9-106928971-C-T. GRCh37 (hg19) VCF-style: chr9-109691252-C-T.
Other names: c.3253-1554C>T (NM_001347997.2); short protein forms R1687*.
Identifiers: ClinVar variation 5016847 (VCV005016847.1).